The following is an entry in ClinVar:

ClinVar aggregate classification (germline): Uncertain significance (1 of 4 stars; one submission).

Conditions:
Hereditary cancer-predisposing syndrome. Also called: Neoplastic Syndromes, Hereditary; Tumor predisposition; Hereditary neoplastic syndrome; Hereditary Cancer Syndrome. Identifiers: Orphanet 140162, MedGen C0027672, MeSH D009386, MONDO:0015356.

Submission:

Ambry Genetics
Classification: Uncertain significance for Hereditary cancer-predisposing syndrome. Last evaluated: 2024-02-16. Review status: criteria provided, single submitter. Criteria: Ambry Variant Classification Scheme 2023. Collection method: clinical testing. Allele origin: germline.
Comment: The p.V225M variant (also known as c.673G>A), located in coding exon 3 of the SMARCA4 gene, results from a G to A substitution at nucleotide position 673. The valine at codon 225 is replaced by methionine, an amino acid with highly similar properties. This amino acid position is well conserved in available vertebrate species. In addition, this alteration is predicted to be tolerated by in silico analysis. Based on the available evidence, the clinical significance of this alteration remains unclear.

NM_003072.5(SMARCA4):c.673G>A (p.Val225Met)

Gene: SMARCA4 (SWI/SNF related BAF chromatin remodeling complex subunit ATPase 4; plus strand). Cytogenetic location: 19p13.2.
Variant type: single nucleotide variant.
Coding change: c.673G>A on transcript NM_003072.5 (MANE Select); coding-DNA position 673, G replaced by A.
Protein change: p.Val225Met; replaces valine 225 with methionine.
Molecular consequence: missense variant. On other transcripts: non-coding transcript variant (1).
Genome position (GRCh38, 1-based): chr19:10,986,506, G>A. VCF-style: chr19-10986506-G-A. GRCh37 (hg19) VCF-style: chr19-11097182-G-A.
Other names: c.673G>A, p.Val225Met (NM_001128844.3, NM_001128845.2, NM_001128846.2 and 6 more transcripts); short protein forms V225M.
Identifiers: ClinVar variation 3233141 (VCV003233141.1), dbSNP rs2145782749, ClinGen allele CA404056919.